The following is an entry in ClinVar:

ClinVar aggregate classification (germline): Uncertain significance. Review status: criteria provided, multiple submitters, no conflicts (2 of 4 stars). 2 submissions from 2 submitters: Uncertain significance (2). Last evaluated 2024-06-04.

gnomAD v4.1: 2 of 1,614,108 alleles (0.00012%); highest among the groups gnomAD compares: Non-Finnish European, 0.00017%; no homozygotes.

Submissions (2):

Labcorp Genetics (formerly Invitae), Labcorp
Classification: Uncertain significance. Last evaluated: 2024-06-04. Review status: criteria provided, single submitter. Criteria: Invitae Variant Classification Sherloc (09022015). Collection method: clinical testing. Allele origin: germline.
Comment: This sequence change replaces alanine, which is neutral and non-polar, with valine, which is neutral and non-polar, at codon 423 of the KCNH1 protein (p.Ala423Val). This variant is not present in population databases (gnomAD no frequency). This variant has not been reported in the literature in individuals affected with KCNH1-related conditions. Advanced modeling of protein sequence and biophysical properties (such as structural, functional, and spatial information, amino acid conservation, physicochemical variation, residue mobility, and thermodynamic stability) performed at Invitae indicates that this missense variant is expected to disrupt KCNH1 protein function with a positive predictive value of 95%. In summary, the available evidence is currently insufficient to determine the role of this variant in disease. Therefore, it has been classified as a Variant of Uncertain Significance.

GeneDx
Classification: Uncertain significance. Last evaluated: 2023-07-31. Review status: criteria provided, single submitter. Criteria: GeneDx Variant Classification Process June 2021. Collection method: clinical testing. Allele origin: germline. Affected: yes.
Comment: Not observed at significant frequency in large population cohorts (gnomAD); In silico analysis supports that this missense variant has a deleterious effect on protein structure/function; Has not been previously published as pathogenic or benign to our knowledge

NM_172362.3(KCNH1):c.1268C>T (p.Ala423Val)

Gene: KCNH1 (potassium voltage-gated channel subfamily H member 1; minus strand). Cytogenetic location: 1q32.2.
Variant type: single nucleotide variant.
Coding change: c.1268C>T on transcript NM_172362.3 (MANE Select); coding-DNA position 1268, C replaced by T.
Protein change: p.Ala423Val; replaces alanine 423 with valine.
Molecular consequence: missense variant.
Genome position (GRCh38, 1-based): chr1:210,919,834, G>A on the plus strand (C>T on the coding strand, the complement: KCNH1 is on the minus strand). VCF-style: chr1-210919834-G-A. GRCh37 (hg19) VCF-style: chr1-211093176-G-A.
Other names: c.1187C>T, p.Ala396Val (NM_002238.4); short protein forms A396V, A423V.
Identifiers: ClinVar variation 3361708 (VCV003361708.3).